The following is an entry in ClinVar:

NM_001378024.1(ARHGAP32):c.360-10T>C

Gene: ARHGAP32 (Rho GTPase activating protein 32; minus strand). Cytogenetic location: 11q24.3.
Variant type: single nucleotide variant.
Coding change: c.360-10T>C on transcript NM_001378024.1 (MANE Select); 10 bases into the intron before coding-DNA position 360, T replaced by C.
Molecular consequence: intron variant.
Genome position (GRCh38, 1-based): chr11:129,123,540, A>G on the plus strand (T>C on the coding strand, the complement: ARHGAP32 is on the minus strand). VCF-style: chr11-129123540-A-G. GRCh37 (hg19) VCF-style: chr11-128993435-A-G.
Other names: c.198-10T>C (NM_001378025.1); c.318-10T>C (NM_001142685.2).
Identifiers: ClinVar variation 781695 (VCV000781695.8), dbSNP rs192361908, ClinGen allele CA6359442.

ClinVar aggregate classification (germline): Benign/Likely benign. Review status: criteria provided, multiple submitters, no conflicts (2 of 4 stars). 4 submissions from 4 submitters: Benign (2); Likely benign (1). 1 of the submissions does not count toward it. Last evaluated 2025-08-18.

Conditions:
ARHGAP32-related disorder. Also called: ARHGAP32-related condition.

Allele frequency attached by ClinVar (database versions not stated): 1000 Genomes Project 0.00160; 1000 Genomes Project 30x 0.00172; gnomAD 0.00405 and 0.00420; gnomAD exomes 0.00458 and 0.00552; ExAC 0.00462; TOPMed 0.00475; ESP Exome Variant Server 0.00505.
gnomAD v4.1: 8,658 of 1,605,948 alleles (0.54%); highest among the groups gnomAD compares: Admixed American, 0.73%; 24 homozygotes.

Submissions (4):

Genomic Medicine Center of Excellence, King Faisal Specialist Hospital and Research Centre
Classification: Likely benign. Last evaluated: 2025-08-18. Review status: criteria provided, single submitter. Criteria: ACMG Guidelines, 2015. Collection method: clinical testing. Allele origin: germline.

Labcorp Genetics (formerly Invitae), Labcorp
Classification: Benign. Last evaluated: 2019-12-31. Review status: criteria provided, single submitter. Criteria: Invitae Variant Classification Sherloc (09022015). Collection method: clinical testing. Allele origin: germline.

Breakthrough Genomics
Classification: Benign. Review status: criteria provided, single submitter. Criteria: ACMG Guidelines, 2015. Collection method: not provided. Allele origin: germline. Inheritance: Unknown mechanism. Affected: yes.

PreventionGenetics, part of Exact Sciences
Classification: Benign for ARHGAP32-related condition. Last evaluated: 2019-10-28. Review status: no assertion criteria provided. Collection method: clinical testing. Allele origin: germline. Not counted in ClinVar's aggregate classification.
Comment: This variant is classified as benign based on ACMG/AMP sequence variant interpretation guidelines (Richards et al. 2015 PMID: 25741868, with internal and published modifications).